The following is an entry in ClinVar:

ClinVar aggregate classification (germline): Uncertain significance (1 of 4 stars; one submission).

Submission:

Ambry Genetics
Classification: Uncertain significance. Last evaluated: 2020-06-15. Review status: criteria provided, single submitter. Criteria: Ambry Variant Classification Scheme 2023. Collection method: clinical testing. Allele origin: germline.
Comment: The p.E522D variant (also known as c.1566G>T), located in coding exon 11 of the FBXO38 gene, results from a G to T substitution at nucleotide position 1566. The glutamic acid at codon 522 is replaced by aspartic acid, an amino acid with highly similar properties. This amino acid position is well conserved in available vertebrate species. In addition, this alteration is predicted to be tolerated by in silico analysis. Since supporting evidence is limited at this time, the clinical significance of this alteration remains unclear.

NM_205836.3(FBXO38):c.1566G>T (p.Glu522Asp)

Gene: FBXO38 (F-box protein 38; plus strand). Cytogenetic location: 5q32.
Variant type: single nucleotide variant.
Coding change: c.1566G>T on transcript NM_205836.3 (MANE Select); coding-DNA position 1566, G replaced by T.
Protein change: p.Glu522Asp; replaces glutamic acid 522 with aspartic acid.
Molecular consequence: missense variant.
Genome position (GRCh38, 1-based): chr5:148,417,152, G>T. VCF-style: chr5-148417152-G-T. GRCh37 (hg19) VCF-style: chr5-147796715-G-T.
Other names: c.1566G>T, p.Glu522Asp (NM_001271723.2, NM_030793.5); short protein forms E522D.
Identifiers: ClinVar variation 1775388 (VCV001775388.2), dbSNP rs1753107156, ClinGen allele CA361660133.
Genomic context (GRCh38, chr5:148,417,152, plus strand): 5'-GAATAACAATGCCAACATCCACGACAACAATCACCATCATCCAGATGACTCAGACGAGGA[G>T]AATGACTTTCGGCAAGATCTGCAGCCAGGAGAGCAGCAGTTTGCAGCTGACGGTAACCCA-3'
Protein context (NP_995308.1, residues 512-532): NHHHPDDSDE[Glu522Asp]NDFRQDLQPG